The following is an entry in ClinVar:

ClinVar aggregate classification (germline): Likely benign. Review status: criteria provided, single submitter (1 of 4 stars). 2 submissions from 2 submitters: Likely benign (1). 1 of the submissions does not count toward it. Last evaluated 2021-02-13.

Conditions:
Short-rib thoracic dysplasia 14 with polydactyly (SRTD14). Identifiers: Orphanet 397715, MedGen C4225286, MONDO:0014688, OMIM 616546.
Joubert syndrome 23 (JBTS23). Identifiers: Orphanet 475, MedGen C4084822, MONDO:0014664, OMIM 616490.
KIAA0586-related disorder. Also called: KIAA0586- Related disorders; KIAA0586-related condition.

Allele frequency attached by ClinVar (database versions not stated): gnomAD 0.00001.
gnomAD v4.1: 1 of 1,511,714 alleles (0.000066%); highest among the groups gnomAD compares: African/African-American, 0.0014%; no homozygotes.

Submissions (2):

Labcorp Genetics (formerly Invitae), Labcorp
Classification: Likely benign for Joubert syndrome 23; Short-rib thoracic dysplasia 14 with polydactyly. Last evaluated: 2021-02-13. Review status: criteria provided, single submitter. Criteria: Invitae Variant Classification Sherloc (09022015). Collection method: clinical testing. Allele origin: germline.

PreventionGenetics, part of Exact Sciences
Classification: Likely benign for KIAA0586-related condition. Last evaluated: 2019-06-24. Review status: no assertion criteria provided. Collection method: clinical testing. Allele origin: germline. Not counted in ClinVar's aggregate classification.
Comment: This variant is classified as likely benign based on ACMG/AMP sequence variant interpretation guidelines (Richards et al. 2015 PMID: 25741868, with internal and published modifications).

NM_001329943.3(KIAA0586):c.340+7G>T

Gene: KIAA0586 (KIAA0586; plus strand). Cytogenetic location: 14q23.1.
Variant type: single nucleotide variant.
Coding change: c.340+7G>T on transcript NM_001329943.3 (MANE Select); 7 bases into the intron after coding-DNA position 340, G replaced by T.
Molecular consequence: intron variant.
Genome position (GRCh38, 1-based): chr14:58,430,724, G>T. VCF-style: chr14-58430724-G-T. GRCh37 (hg19) VCF-style: chr14-58897442-G-T.
Other names: c.376+7G>T (NM_001244189.1, NM_001244189.2); c.295+7G>T (NM_001244190.2); c.85+7G>T (NM_001244192.2, NM_001244191.2, NM_001364701.2 and 2 more transcripts); c.340+7G>T (NM_001329944.2, NM_001329946.2, NM_001329947.2 and 1 more transcripts).
Identifiers: ClinVar variation 1538004 (VCV001538004.10), dbSNP rs763185199, ClinGen allele CA7205334.
Genomic context (GRCh38, chr14:58,430,724, plus strand): 5'-TTGCAGTGCAAGTGTTGCCTTTGGATAAAATAGAAGAGAACAACAAGCAAAAAGGTAAAA[G>T]AATAATATTGATTTTTTTAAATTGTGACAACATATACATAACATAAAGTTTACTACTTTA-3'